The following is an entry in ClinVar:

ClinVar aggregate classification (germline): Uncertain significance (1 of 4 stars; one submission).

Conditions:
Hereditary nonpolyposis colorectal neoplasms. Identifiers: MedGen C0009405, MeSH D003123.

Submission:

Labcorp Genetics (formerly Invitae), Labcorp
Classification: Uncertain significance for Hereditary nonpolyposis colorectal neoplasms. Last evaluated: 2025-05-13. Review status: criteria provided, single submitter. Criteria: Invitae Variant Classification Sherloc (09022015). Collection method: clinical testing. Allele origin: germline.
Comment: This sequence change replaces histidine, which is basic and polar, with leucine, which is neutral and non-polar, at codon 130 of the MSH6 protein (p.His130Leu). This variant is not present in population databases (gnomAD no frequency). This variant has not been reported in the literature in individuals affected with MSH6-related conditions. Invitae Evidence Modeling of protein sequence and biophysical properties (such as structural, functional, and spatial information, amino acid conservation, physicochemical variation, residue mobility, and thermodynamic stability) indicates that this missense variant is not expected to disrupt MSH6 protein function with a negative predictive value of 95%. In summary, the available evidence is currently insufficient to determine the role of this variant in disease. Therefore, it has been classified as a Variant of Uncertain Significance.

NM_000179.3(MSH6):c.389A>T (p.His130Leu)

Gene: MSH6 (mutS homolog 6; plus strand). Cytogenetic location: 2p16.3.
Variant type: single nucleotide variant.
Coding change: c.389A>T on transcript NM_000179.3 (MANE Select); coding-DNA position 389, A replaced by T.
Protein change: p.His130Leu; replaces histidine 130 with leucine.
Molecular consequence: missense variant. On other transcripts: 5 prime UTR variant (7), non-coding transcript variant (5), intron variant (6).
Genome position (GRCh38, 1-based): chr2:47,791,055, A>T. VCF-style: chr2-47791055-A-T. GRCh37 (hg19) VCF-style: chr2-48018194-A-T.
Other names: c.-348A>T (NM_001281493.2, NM_001406811.1, NM_001406823.1 and 1 more transcripts); c.-514A>T (NM_001281494.2); c.485A>T, p.His162Leu (NM_001406795.1, NM_001406802.1); c.389A>T, p.His130Leu (NM_001406796.1, NM_001406798.1, NM_001406800.1 and 6 more transcripts); c.92A>T, p.His31Leu (NM_001406797.1, NM_001406801.1, NM_001406805.1 and 10 more transcripts); c.311A>T, p.His104Leu (NM_001406804.1); c.-540A>T (NM_001406807.1); c.-606A>T (NM_001406814.1); and 5 more; short protein forms H104L, H130L, H162L, H31L, H74L.
Identifiers: ClinVar variation 4800184 (VCV004800184.1).
Genomic context (GRCh38, chr2:47,791,055, plus strand): 5'-TTTACAACCACCCCTTTGATGGAACATTCATCCGCGAGAAAGGGAAATCAGTCCGTGTTC[A>T]TGTACAGTTTTTTGATGACAGCCCAACAAGGGGCTGGGTTAGCAAAAGGCTTTTAAAGCC-3'
Protein context (NP_000170.1, residues 120-140): IREKGKSVRV[His130Leu]VQFFDDSPTR